The following is an entry in ClinVar:

NM_018979.4(WNK1):c.5485G>A (p.Ala1829Thr)

Gene: WNK1 (WNK lysine deficient protein kinase 1; plus strand). Cytogenetic location: 12p13.33.
Variant type: single nucleotide variant.
Coding change: c.5485G>A on transcript NM_018979.4 (MANE Select); coding-DNA position 5485, G replaced by A.
Protein change: p.Ala1829Thr; replaces alanine 1829 with threonine.
Molecular consequence: missense variant.
Genome position (GRCh38, 1-based): chr12:890,489, G>A. VCF-style: chr12-890489-G-A. GRCh37 (hg19) VCF-style: chr12-999655-G-A.
Other names: c.6265G>A, p.Ala2089Thr (NM_001184985.2); c.4744G>A, p.Ala1582Thr (NM_014823.3); c.6241G>A, p.Ala2081Thr (NM_213655.5); short protein forms A1582T, A2081T, A2089T, A1829T.
Identifiers: ClinVar variation 2154107 (VCV002154107.4), dbSNP rs2497305492, ClinGen allele CA383333428.

ClinVar aggregate classification (germline): Uncertain significance (1 of 4 stars; one submission).

Conditions:
Neuropathy, hereditary sensory and autonomic, type 2A (HSAN2A). Also called: ACROOSTEOLYSIS, GIACCAI TYPE; ACROOSTEOLYSIS, NEUROGENIC; MORVAN DISEASE; NEUROPATHY, CONGENITAL SENSORY; NEUROPATHY, HEREDITARY SENSORY RADICULAR, AUTOSOMAL RECESSIVE; NEUROPATHY, HEREDITARY SENSORY, TYPE IIA. Identifiers: Orphanet 970, MedGen C2752089, MONDO:0024309, OMIM 201300.
Pseudohypoaldosteronism type 2C (PHA2C). Also called: Pseudohypoaldosteronism Type IIC. Identifiers: Orphanet 757, Orphanet 88940, MedGen C1840391, MONDO:0013778, OMIM 614492.

Allele frequency attached by ClinVar (database versions not stated): gnomAD exomes below 0.00001.
gnomAD v4.1: 1 of 1,614,148 alleles (0.000062%); highest among the groups gnomAD compares: Non-Finnish European, 0.000085%; no homozygotes.

Submission:

Labcorp Genetics (formerly Invitae), Labcorp
Classification: Uncertain significance for Neuropathy, hereditary sensory and autonomic, type 2A; Pseudohypoaldosteronism type 2C. Last evaluated: 2022-08-13. Review status: criteria provided, single submitter. Criteria: Invitae Variant Classification Sherloc (09022015). Collection method: clinical testing. Allele origin: germline.
Comment: In summary, the available evidence is currently insufficient to determine the role of this variant in disease. Therefore, it has been classified as a Variant of Uncertain Significance. Advanced modeling of protein sequence and biophysical properties (such as structural, functional, and spatial information, amino acid conservation, physicochemical variation, residue mobility, and thermodynamic stability) performed at Invitae indicates that this missense variant is not expected to disrupt WNK1 protein function. This variant has not been reported in the literature in individuals affected with WNK1-related conditions. This variant is not present in population databases (gnomAD no frequency). This sequence change replaces alanine, which is neutral and non-polar, with threonine, which is neutral and polar, at codon 2081 of the WNK1 protein (p.Ala2081Thr).